The following is an entry in ClinVar:

ClinVar aggregate classification (germline): Uncertain significance. Review status: criteria provided, multiple submitters, no conflicts (2 of 4 stars). 3 submissions from 3 submitters: Uncertain significance (3). Last evaluated 2025-08-09.

Conditions:
Encephalopathy due to defective mitochondrial and peroxisomal fission 2 (EMPF2). Identifiers: Orphanet 485421, MedGen C4310726, MONDO:0014905, OMIM 617086.
Inborn genetic diseases. Identifiers: MedGen C0950123, MeSH D030342.

Allele frequency attached by ClinVar (database versions not stated): gnomAD exomes 0.00002; ExAC 0.00007; 1000 Genomes Project 0.00020; 1000 Genomes Project 30x 0.00031; ESP Exome Variant Server 0.00031; TOPMed 0.00039; gnomAD 0.00042.
gnomAD v4.1: 102 of 1,613,370 alleles (0.0063%); highest among the groups gnomAD compares: African/African-American, 0.091%; no homozygotes.

Submissions (3):

Ambry Genetics
Classification: Uncertain significance for Inborn genetic diseases. Last evaluated: 2025-08-09. Review status: criteria provided, single submitter. Criteria: Ambry Variant Classification Scheme 2023. Collection method: clinical testing. Allele origin: germline.

GeneDx
Classification: Uncertain significance. Last evaluated: 2024-10-30. Review status: criteria provided, single submitter. Criteria: GeneDx Variant Classification Process June 2021. Collection method: clinical testing. Allele origin: germline. Affected: yes.
Comment: In silico analysis supports that this missense variant has a deleterious effect on protein structure/function; Has not been previously published as pathogenic or benign to our knowledge

Fulgent Genetics
Classification: Uncertain significance for Encephalopathy due to defective mitochondrial and peroxisomal fission 2. Last evaluated: 2024-01-09. Review status: criteria provided, single submitter. Criteria: ACMG Guidelines, 2015. Collection method: clinical testing. Allele origin: germline.

NM_001277062.2(MFF):c.223G>A (p.Asp75Asn)

Gene: MFF (mitochondrial fission factor; plus strand). Cytogenetic location: 2q36.3.
Variant type: single nucleotide variant.
Coding change: c.223G>A on transcript NM_001277062.2 (MANE Select); coding-DNA position 223, G replaced by A.
Protein change: p.Asp75Asn; replaces aspartic acid 75 with asparagine.
Molecular consequence: missense variant. On other transcripts: non-coding transcript variant (1).
Genome position (GRCh38, 1-based): chr2:227,332,460, G>A. VCF-style: chr2-227332460-G-A. GRCh37 (hg19) VCF-style: chr2-228197176-G-A.
Other names: c.301G>A, p.Asp101Asn (NM_001277061.2, NM_020194.5); c.223G>A, p.Asp75Asn (NM_001277063.2, NM_001277064.2, NM_001277065.2 and 2 more transcripts); c.73G>A, p.Asp25Asn (NM_001277067.1); short protein forms D75N, D101N, D25N.
Identifiers: ClinVar variation 2510850 (VCV002510850.5), dbSNP rs375098500, ClinGen allele CA2147849.
Genomic context (GRCh38, chr2:227,332,460, plus strand): 5'-TTTTCTTGAAAACTCCTAGGAAATAATGAAGATGTTTCATTTTCAAGACCAGCAGATCTT[G>A]ACCTTATTCAGTCAACTCCCTTTAAACCCCTGGCACTGAAAACACCACCTCGTGTACTTA-3'
Protein context (NP_001263991.1, residues 65-85): DVSFSRPADL[Asp75Asn]LIQSTPFKPL